The following is an entry in ClinVar:

ClinVar aggregate classification (germline): Likely benign (1 of 4 stars; one submission).

Conditions:
FLNB-Related Spectrum Disorders.

Allele frequency attached by ClinVar (database versions not stated): 1000 Genomes Project 0.00060; 1000 Genomes Project 30x 0.00094; gnomAD exomes 0.00137; TOPMed 0.00139; gnomAD 0.00150.
gnomAD v4.1: 1,981 of 1,436,968 alleles (0.14%); highest among the groups gnomAD compares: Admixed American, 0.19%; 2 homozygotes.

Submission:

Illumina Laboratory Services, Illumina
Classification: Likely benign for FLNB-Related Spectrum Disorders. Last evaluated: 2018-01-13. Review status: criteria provided, single submitter. Criteria: ICSL Variant Classification Criteria 13 December 2019. Collection method: clinical testing. Allele origin: germline.
Comment: This variant was observed in the ICSL laboratory as part of a predisposition screen in an ostensibly healthy population. It had not been previously curated by ICSL or reported in the Human Gene Mutation Database (HGMD: prior to June 1st, 2018), and was therefore a candidate for classification through an automated scoring system. Utilizing variant allele frequency, disease prevalence and penetrance estimates, and inheritance mode, an automated score was calculated to assess if this variant is too frequent to cause the disease. Based on the score and internal cut-off values, a variant classified as likely benign is not then subjected to further curation. The score for this variant resulted in a classification of likely benign for this disease.

NM_001457.4(FLNB):c.-95C>G

Gene: FLNB (filamin B; plus strand). Cytogenetic location: 3p14.3.
Variant type: single nucleotide variant.
Coding change: c.-95C>G on transcript NM_001457.4 (MANE Select); 95 bases upstream of the start codon, C replaced by G.
Molecular consequence: 5 prime UTR variant.
Genome position (GRCh38, 1-based): chr3:58,008,470, C>G. VCF-style: chr3-58008470-C-G. GRCh37 (hg19) VCF-style: chr3-57994197-C-G.
Other names: c.-95C>G (NM_001164317.2, NM_001164318.2, NM_001164319.2).
Identifiers: ClinVar variation 346293 (VCV000346293.5), dbSNP rs528555050, ClinGen allele CA10616481.